The following is an entry in ClinVar:

NM_001386393.1(PANK2):c.273C>G (p.Val91=)

Genes: PANK2 (pantothenate kinase 2; plus strand), LOC130065345 (ATAC-STARR-seq lymphoblastoid silent region 12635; plus strand). Cytogenetic location: 20p13.
Variant type: single nucleotide variant.
Coding change: c.273C>G on transcript NM_001386393.1 (MANE Select); coding-DNA position 273, C replaced by G.
Protein change: p.Val91=; no amino-acid change (valine 91 retained).
Molecular consequence: synonymous variant. On other transcripts: non-coding transcript variant (1), intron variant (1), 5 prime UTR variant (1).
Genome position (GRCh38, 1-based): chr20:3,889,703, C>G. VCF-style: chr20-3889703-C-G. GRCh37 (hg19) VCF-style: chr20-3870350-C-G.
Other names: c.-246+799C>G (NM_024960.6); c.-439C>G (NM_001324191.2); c.603C>G, p.Val201= (NM_001324192.1, NM_153638.4).
Identifiers: ClinVar variation 2578907 (VCV002578907.28), dbSNP rs940476127, ClinGen allele CA509428097.

ClinVar aggregate classification (germline): Likely benign. Review status: criteria provided, multiple submitters, no conflicts (2 of 4 stars). 2 submissions from 2 submitters: Likely benign (2). Last evaluated 2023-07-17.

Conditions:
Pigmentary pallidal degeneration (NBIA1). Also called: PKAN NEUROAXONAL DYSTROPHY, JUVENILE-ONSET; Pantothenate Kinase-Associated Neurodegeneration; Neuroaxonal dystrophy, late infantile; Hallervorden-Spatz disease; Neurodegeneration with brain iron accumulation 1; HARP SYNDROME. Identifiers: Orphanet 157850, MedGen C0018523, MONDO:0009319, OMIM 234200.

Submissions (2):

Labcorp Genetics (formerly Invitae), Labcorp
Classification: Likely benign for Pigmentary pallidal degeneration. Last evaluated: 2023-07-17. Review status: criteria provided, single submitter. Criteria: Invitae Variant Classification Sherloc (09022015). Collection method: clinical testing. Allele origin: germline.

CeGaT Center for Human Genetics Tuebingen
Classification: Likely benign. Last evaluated: 2023-07-01. Review status: criteria provided, single submitter. Criteria: CeGaT Center For Human Genetics Tuebingen Variant Classification Criteria Version 2. Collection method: clinical testing. Allele origin: germline. Affected: yes. Observed: 1 variant allele.
Comment: PANK2: PM2:Supporting, BP4, BP7